The following is an entry in ClinVar:

ClinVar aggregate classification (germline): Likely benign (1 of 4 stars; one submission).

gnomAD v4.1: 1 of 1,614,074 alleles (0.000062%); highest among the groups gnomAD compares: South Asian, 0.0011%; no homozygotes.

Submission:

CeGaT Center for Human Genetics Tuebingen
Classification: Likely benign. Last evaluated: 2023-03-01. Review status: criteria provided, single submitter. Criteria: CeGaT Center For Human Genetics Tuebingen Variant Classification Criteria Version 2. Collection method: clinical testing. Allele origin: germline. Affected: yes. Observed: 1 variant allele.
Comment: PLCG2: BP4, BP7

NM_002661.5(PLCG2):c.3147C>T (p.Asp1049=)

Gene: PLCG2 (phospholipase C gamma 2; plus strand). Cytogenetic location: 16q23.3.
Variant type: single nucleotide variant.
Coding change: c.3147C>T on transcript NM_002661.5 (MANE Select); coding-DNA position 3147, C replaced by T.
Protein change: p.Asp1049=; no amino-acid change (aspartic acid 1049 retained).
Molecular consequence: synonymous variant.
Genome position (GRCh38, 1-based): chr16:81,937,852, C>T. VCF-style: chr16-81937852-C-T. GRCh37 (hg19) VCF-style: chr16-81971457-C-T.
Identifiers: ClinVar variation 2498673 (VCV002498673.28), dbSNP rs1489788909, ClinGen allele CA496715838.